The following is an entry in ClinVar:

ClinVar aggregate classification (germline): Likely benign. Review status: criteria provided, multiple submitters, no conflicts (2 of 4 stars). 2 submissions from 2 submitters: Likely benign (2). Last evaluated 2019-07-11.

Conditions:
Inborn genetic diseases. Identifiers: MedGen C0950123, MeSH D030342.

Submissions (2):

Ambry Genetics
Classification: Likely benign for Inborn genetic diseases. Last evaluated: 2019-07-11. Review status: criteria provided, single submitter. Criteria: Ambry Variant Classification Scheme 2023. Collection method: clinical testing. Allele origin: germline.

ARUP Laboratories, Molecular Genetics and Genomics, ARUP Laboratories
Classification: Likely benign. Last evaluated: 2018-05-04. Review status: criteria provided, single submitter. Criteria: ARUP Molecular Germline Variant Investigation Process. Collection method: clinical testing. Allele origin: germline.
Comment: The c.1290A>G; p.Glu430Glu variant does not alter the amino acid sequence of the AARS protein and computational splice site prediction algorithms do not predict a change in the nearest splice site or creation of a cryptic splice site. This variant has not been reported in association with neuropathies in medical literature or in gene specific variation databases. This variant is absent from the general population databases (1000 Genomes Project, Exome Variant Server, Genome Aggregation Database), indicating it is not a common polymorphism. Based on the available information, the c.1290A>G variant is likely to be benign.

NM_001605.3(AARS1):c.1290A>G (p.Glu430=)

Gene: AARS1 (alanyl-tRNA synthetase 1; minus strand). Cytogenetic location: 16q22.1.
Variant type: single nucleotide variant.
Coding change: c.1290A>G on transcript NM_001605.3 (MANE Select); coding-DNA position 1290, A replaced by G.
Protein change: p.Glu430=; no amino-acid change (glutamic acid 430 retained).
Molecular consequence: synonymous variant.
Genome position (GRCh38, 1-based): chr16:70,265,595, T>C on the plus strand (A>G on the coding strand, the complement: AARS1 is on the minus strand). VCF-style: chr16-70265595-T-C. GRCh37 (hg19) VCF-style: chr16-70299498-T-C.
Identifiers: ClinVar variation 617944 (VCV000617944.10), dbSNP rs1567605886, ClinGen allele CA496205960.